The following is an entry in ClinVar:

ClinVar aggregate classification (germline): Conflicting classifications of pathogenicity. Review status: criteria provided, conflicting classifications (1 of 4 stars). 4 submissions from 4 submitters: Uncertain significance (1); Likely benign (2). 1 of the submissions does not count toward it. Last evaluated 2026-01-17.

Conditions:
GNE myopathy (NM). Also called: INCLUSION BODY MYOPATHY, HEREDITARY, AUTOSOMAL RECESSIVE; INCLUSION BODY MYOPATHY 2, AUTOSOMAL RECESSIVE; MYOPATHY, DISTAL, WITH OR WITHOUT RIMMED VACUOLES; IBM 2; Inclusion body myopathy autosomal recessive; Inclusion body myopathy quadriceps sparing. Identifiers: Orphanet 602, MedGen C1853926, MONDO:0011603, OMIM 605820.
Sialuria. Also called: Sialic Acid Storage Disease; SIALURIA, FRENCH TYPE. Identifiers: Orphanet 3166, MedGen C0342853, MONDO:0010028, OMIM 269921.

Allele frequency attached by ClinVar (database versions not stated): ESP Exome Variant Server 0.00008; gnomAD 0.00008 and 0.00010; TOPMed 0.00008; gnomAD exomes 0.00012 and 0.00025; ExAC 0.00025.
gnomAD v4.1: 198 of 1,611,684 alleles (0.012%); highest among the groups gnomAD compares: South Asian, 0.16%; no homozygotes.

Submissions (4):

Labcorp Genetics (formerly Invitae), Labcorp
Classification: Likely benign for Sialuria; GNE myopathy. Last evaluated: 2026-01-17. Review status: criteria provided, single submitter. Criteria: Invitae Variant Classification Sherloc (09022015). Collection method: clinical testing. Allele origin: germline.

GeneDx
Classification: Likely benign. Last evaluated: 2018-05-10. Review status: criteria provided, single submitter. Criteria: GeneDx Variant Classification (06012015). Collection method: clinical testing. Allele origin: germline. Affected: yes.
Comment: This variant is considered likely benign or benign based on one or more of the following criteria: it is a conservative change, it occurs at a poorly conserved position in the protein, it is predicted to be benign by multiple in silico algorithms, and/or has population frequency not consistent with disease.

Eurofins Ntd Llc (ga)
Classification: Uncertain significance. Last evaluated: 2016-06-08. Review status: criteria provided, single submitter. Criteria: EGL Classification Definitions 2015. Collection method: clinical testing. Allele origin: germline. Observed: 1 variant allele, 1 heterozygote.

Natera, Inc.
Classification: Uncertain significance for Nonaka myopathy. Last evaluated: 2019-10-28. Review status: no assertion criteria provided. Collection method: clinical testing. Allele origin: germline. Not counted in ClinVar's aggregate classification.

NM_005476.7(GNE):c.1412-5C>T

Gene: GNE (glucosamine (UDP-N-acetyl)-2-epimerase/N-acetylmannosamine kinase; minus strand). Cytogenetic location: 9p13.3.
Variant type: single nucleotide variant.
Coding change: c.1412-5C>T on transcript NM_005476.7 (MANE Select); 5 bases into the intron before coding-DNA position 1412, C replaced by T.
Molecular consequence: intron variant.
Genome position (GRCh38, 1-based): chr9:36,223,003, G>A on the plus strand (C>T on the coding strand, the complement: GNE is on the minus strand). VCF-style: chr9-36223003-G-A. GRCh37 (hg19) VCF-style: chr9-36223000-G-A.
Other names: c.1235-5C>T (NM_001190388.2, NM_001374798.1); c.1505-5C>T (NM_001128227.3); c.1082-5C>T (NM_001190384.3); c.1259-5C>T (NM_001374797.1); c.1411+370C>T (NM_001190383.3).
Identifiers: ClinVar variation 282272 (VCV000282272.18), dbSNP rs369078814, ClinGen allele CA5056485.